The following is an entry in ClinVar:

ClinVar aggregate classification (germline): Likely pathogenic (1 of 4 stars; one submission).

Conditions:
Fanconi anemia complementation group A (FANCA). Also called: FANCA-Related Fanconi Anemia; Fanconi anemia, group A. Identifiers: Orphanet 84, MedGen C3469521, MONDO:0009215, OMIM 227650.

gnomAD v4.1: 1 of 1,613,438 alleles (0.000062%); highest among the groups gnomAD compares: Non-Finnish European, 0.000085%; no homozygotes.

Submission:

GeneKor MSA
Classification: Likely pathogenic for Fanconi anemia complementation group A. Last evaluated: 2025-05-15. Review status: criteria provided, single submitter. Criteria: ACMG Guidelines, 2015. Collection method: clinical testing. Allele origin: germline. Affected: yes.
Comment: This variant is a single nucleotide substitution at position 2788 of the FANCA gene, resulting in the replacement of glutamine with a premature stop codon at position 930 of the FANCA protein (p.Gln930*). The resulting protein is expected to be truncated and non-functional. Loss-of-function variants in the FANCA gene are considered pathogenic (PMID:19367192). This specific variant is not reported in population databases nor listed in the ClinVar database. n conclusion, based on the above evidence, this variant is classified as likely pathogenic.

Literature cited by the submitters: PubMed 19367192.

NM_000135.4(FANCA):c.2788C>T (p.Gln930Ter)

Gene: FANCA (FA complementation group A; minus strand). Cytogenetic location: 16q24.3.
Variant type: single nucleotide variant.
Coding change: c.2788C>T on transcript NM_000135.4 (MANE Select); coding-DNA position 2788, C replaced by T.
Protein change: p.Gln930Ter; replaces glutamine 930 with a stop codon.
Molecular consequence: nonsense.
Genome position (GRCh38, 1-based): chr16:89,762,013, G>A on the plus strand (C>T on the coding strand, the complement: FANCA is on the minus strand). VCF-style: chr16-89762013-G-A. GRCh37 (hg19) VCF-style: chr16-89828421-G-A.
Other names: c.2788C>T, p.Gln930Ter (NM_001286167.3); short protein forms Q930*.
Identifiers: ClinVar variation 4077018 (VCV004077018.1).
Genomic context (GRCh38, chr16:89,762,013, plus strand): 5'-CAGTATCTGAAAGAGCATCAGCTTCAGGTTGAATTTCCAGCTCCAGGTGTAACCAGTCTT[G>A]GTAAGTTAACTGAGAAAGAGAGCAAGCAATTCAATACAATGAGGACAGAACACACAATCC-3'